The following is an entry in ClinVar:

ClinVar aggregate classification (germline): Benign (1 of 4 stars; one submission).

Allele frequency attached by ClinVar (database versions not stated): gnomAD 0.32460 and 0.32738; TOPMed 0.34149; 1000 Genomes Project 0.35823; 1000 Genomes Project 30x 0.36212.
gnomAD v4.1: 48,992 of 151,716 alleles (32%); highest among the groups gnomAD compares: African/African-American, 50%; 8,945 homozygotes.

Submission:

GeneDx
Classification: Benign. Last evaluated: 2018-06-14. Review status: criteria provided, single submitter. Criteria: GeneDx Variant Classification (06012015). Collection method: clinical testing. Allele origin: germline. Affected: yes.
Comment: This variant is considered likely benign or benign based on one or more of the following criteria: it is a conservative change, it occurs at a poorly conserved position in the protein, it is predicted to be benign by multiple in silico algorithms, and/or has population frequency not consistent with disease.

NM_000337.6(SGCD):c.382+232T>A

Gene: SGCD (sarcoglycan delta; plus strand). Cytogenetic location: 5q33.3.
Variant type: single nucleotide variant.
Coding change: c.382+232T>A on transcript NM_000337.6 (MANE Select); 232 bases into the intron after coding-DNA position 382, T replaced by A.
Molecular consequence: intron variant.
Genome position (GRCh38, 1-based): chr5:156,589,550, T>A. VCF-style: chr5-156589550-T-A. GRCh37 (hg19) VCF-style: chr5-156016560-T-A.
Other names: c.379+232T>A (NM_001128209.2); c.382+232T>A (NM_172244.3).
Identifiers: ClinVar variation 670067 (VCV000670067.1), dbSNP rs181875, ClinGen allele CA12124472.